The following is an entry in ClinVar:

ClinVar aggregate classification (germline): Uncertain significance (1 of 4 stars; one submission).

Conditions:
Immunodeficiency 18 (IMD18). Also called: CD3-EPSILON DEFICIENCY; CD3epsilon deficiency. Identifiers: MedGen C3810127, MONDO:0014278, OMIM 615615.

Allele frequency attached by ClinVar (database versions not stated): gnomAD exomes 0.00001; TOPMed 0.00001; ExAC 0.00002; gnomAD 0.00003.

Submission:

Labcorp Genetics (formerly Invitae), Labcorp
Classification: Uncertain significance for Immunodeficiency 18. Last evaluated: 2022-10-17. Review status: criteria provided, single submitter. Criteria: Invitae Variant Classification Sherloc (09022015). Collection method: clinical testing. Allele origin: germline.
Comment: This sequence change replaces arginine, which is basic and polar, with glutamine, which is neutral and polar, at codon 196 of the CD3E protein (p.Arg196Gln). This variant is present in population databases (rs764411267, gnomAD 0.005%). This variant has not been reported in the literature in individuals affected with CD3E-related conditions. Algorithms developed to predict the effect of missense changes on protein structure and function output the following: SIFT: "Tolerated"; PolyPhen-2: "Benign"; Align-GVGD: "Class C0". The glutamine amino acid residue is found in multiple mammalian species, which suggests that this missense change does not adversely affect protein function. In summary, the available evidence is currently insufficient to determine the role of this variant in disease. Therefore, it has been classified as a Variant of Uncertain Significance.

NM_000733.4(CD3E):c.587G>A (p.Arg196Gln)

Gene: CD3E (CD3 epsilon subunit of T-cell receptor complex; plus strand). Cytogenetic location: 11q23.3.
Variant type: single nucleotide variant.
Coding change: c.587G>A on transcript NM_000733.4 (MANE Select); coding-DNA position 587, G replaced by A.
Protein change: p.Arg196Gln; replaces arginine 196 with glutamine.
Molecular consequence: missense variant.
Genome position (GRCh38, 1-based): chr11:118,315,505, G>A. VCF-style: chr11-118315505-G-A. GRCh37 (hg19) VCF-style: chr11-118186220-G-A.
Other names: short protein forms R196Q.
Identifiers: ClinVar variation 1898925 (VCV001898925.2), dbSNP rs764411267, ClinGen allele CA6301815.